The following is an entry in ClinVar:

ClinVar aggregate classification (germline): Uncertain significance (1 of 4 stars; one submission).

Conditions:
Epileptic encephalopathy. Identifiers: MedGen C0543888, HP:0200134.

Submission:

Labcorp Genetics (formerly Invitae), Labcorp
Classification: Uncertain significance for Epileptic encephalopathy. Last evaluated: 2020-02-10. Review status: criteria provided, single submitter. Criteria: Invitae Variant Classification Sherloc (09022015). Collection method: clinical testing. Allele origin: germline.
Comment: In summary, the available evidence is currently insufficient to determine the role of this variant in disease. Therefore, it has been classified as a Variant of Uncertain Significance. Algorithms developed to predict the effect of missense changes on protein structure and function are either unavailable or do not agree on the potential impact of this missense change (SIFT: "Deleterious"; PolyPhen-2: "Probably Damaging"; Align-GVGD: "Class C0"). This variant has not been reported in the literature in individuals with RYR3-related conditions. This variant is not present in population databases (ExAC no frequency). This sequence change replaces glycine with glutamic acid at codon 3121 of the RYR3 protein (p.Gly3121Glu). The glycine residue is highly conserved and there is a moderate physicochemical difference between glycine and glutamic acid.

NM_001036.6(RYR3):c.9362G>A (p.Gly3121Glu)

Gene: RYR3 (ryanodine receptor 3; plus strand). Cytogenetic location: 15q14.
Variant type: single nucleotide variant.
Coding change: c.9362G>A on transcript NM_001036.6 (MANE Select); coding-DNA position 9362, G replaced by A.
Protein change: p.Gly3121Glu; replaces glycine 3121 with glutamic acid.
Molecular consequence: missense variant.
Genome position (GRCh38, 1-based): chr15:33,785,755, G>A. VCF-style: chr15-33785755-G-A. GRCh37 (hg19) VCF-style: chr15-34077956-G-A.
Other names: c.9362G>A, p.Gly3121Glu (NM_001243996.4); short protein forms G3121E.
Identifiers: ClinVar variation 946378 (VCV000946378.9), dbSNP rs2074668657, ClinGen allele CA391590333.